The following is an entry in ClinVar:

NM_004168.4(SDHA):c.1477G>T (p.Val493Phe)

Gene: SDHA (succinate dehydrogenase complex flavoprotein subunit A; plus strand). Cytogenetic location: 5p15.33.
Variant type: single nucleotide variant.
Coding change: c.1477G>T on transcript NM_004168.4 (MANE Select); coding-DNA position 1477, G replaced by T.
Protein change: p.Val493Phe; replaces valine 493 with phenylalanine.
Molecular consequence: missense variant.
Genome position (GRCh38, 1-based): chr5:240,402, G>T. VCF-style: chr5-240402-G-T. GRCh37 (hg19) VCF-style: chr5-240517-G-T.
Other names: c.1333G>T, p.Val445Phe (NM_001294332.2); c.1477G>T, p.Val493Phe (NM_001330758.2); c.1477G>T (NM_004168.2); short protein forms V493F, V445F.
Identifiers: ClinVar variation 646825 (VCV000646825.13), dbSNP rs1579417619, ClinGen allele CA359014251.

ClinVar aggregate classification (germline): Uncertain significance. Review status: criteria provided, multiple submitters, no conflicts (2 of 4 stars). 3 submissions from 3 submitters: Uncertain significance (3). Last evaluated 2026-01-10.

Conditions:
Dilated cardiomyopathy 1GG (CMD1GG). Identifiers: Orphanet 154, MedGen C3150898, MONDO:0013339, OMIM 613642.
Pheochromocytoma/paraganglioma syndrome 5. Also called: Paragangliomas 5; SDHA-Related Hereditary Paraganglioma-Pheochromocytoma Syndrome. Identifiers: Orphanet 29072, MedGen C3279992, MONDO:0013602, OMIM 614165.
Mitochondrial complex II deficiency, nuclear type 1. Also called: SUCCINATE CoQ REDUCTASE DEFICIENCY. Identifiers: Orphanet 3208, MedGen C5700310, MONDO:0100294, OMIM 252011.
Hereditary cancer-predisposing syndrome. Also called: Tumor predisposition; Neoplastic Syndromes, Hereditary; Hereditary Cancer Syndrome; Hereditary neoplastic syndrome. Identifiers: Orphanet 140162, MedGen C0027672, MeSH D009386, MONDO:0015356.

Allele frequency attached by ClinVar (database versions not stated): gnomAD exomes below 0.00001.

Submissions (3):

Labcorp Genetics (formerly Invitae), Labcorp
Classification: Uncertain significance for Pheochromocytoma/paraganglioma syndrome 5; Mitochondrial complex II deficiency, nuclear type 1. Last evaluated: 2026-01-10. Review status: criteria provided, single submitter. Criteria: Invitae Variant Classification Sherloc (09022015). Collection method: clinical testing. Allele origin: germline.
Comment: This sequence change replaces valine, which is neutral and non-polar, with phenylalanine, which is neutral and non-polar, at codon 493 of the SDHA protein (p.Val493Phe). This variant is not present in population databases (gnomAD no frequency). This variant has not been reported in the literature in individuals affected with SDHA-related conditions. ClinVar contains an entry for this variant (Variation ID: 646825). Invitae Evidence Modeling of protein sequence and biophysical properties (such as structural, functional, and spatial information, amino acid conservation, physicochemical variation, residue mobility, and thermodynamic stability) indicates that this missense variant is not expected to disrupt SDHA protein function with a negative predictive value of 95%. In summary, the available evidence is currently insufficient to determine the role of this variant in disease. Therefore, it has been classified as a Variant of Uncertain Significance.

Baylor Genetics
Classification: Uncertain significance for Dilated cardiomyopathy 1GG. Last evaluated: 2024-03-01. Review status: criteria provided, single submitter. Criteria: ACMG Guidelines, 2015. Collection method: clinical testing. Allele origin: unknown.

Ambry Genetics
Classification: Uncertain significance for Hereditary cancer-predisposing syndrome. Last evaluated: 2023-11-22. Review status: criteria provided, single submitter. Criteria: Ambry Variant Classification Scheme 2023. Collection method: clinical testing. Allele origin: germline.
Comment: The p.V493F variant (also known as c.1477G>T), located in coding exon 11 of the SDHA gene, results from a G to T substitution at nucleotide position 1477. The valine at codon 493 is replaced by phenylalanine, an amino acid with highly similar properties. This amino acid position is conserved. In addition, this alteration is predicted to be deleterious by in silico analysis. Since supporting evidence is limited at this time, the clinical significance of this alteration remains unclear.